The following is an entry in ClinVar:

ClinVar aggregate classification (germline): Pathogenic (1 of 4 stars; one submission).

Conditions:
Erythrocytosis, familial, 3 (ECYT3). Identifiers: Orphanet 247511, MedGen C1853286, MONDO:0012353, OMIM 609820.

Submission:

Labcorp Genetics (formerly Invitae), Labcorp
Classification: Pathogenic for Erythrocytosis, familial, 3. Last evaluated: 2025-01-22. Review status: criteria provided, single submitter. Criteria: Invitae Variant Classification Sherloc (09022015). Collection method: clinical testing. Allele origin: germline.
Comment: This sequence change creates a premature translational stop signal (p.Ser125Alafs*39) in the EGLN1 gene. It is expected to result in an absent or disrupted protein product. Loss-of-function variants in EGLN1 are known to be pathogenic (PMID: 17933562, 21933857). This variant is not present in population databases (gnomAD no frequency). This variant has not been reported in the literature in individuals affected with EGLN1-related conditions. For these reasons, this variant has been classified as Pathogenic.

Literature cited by the submitters: PubMed 17933562; PubMed 21933857.

NM_022051.3(EGLN1):c.373_403del (p.Ser125fs)

Gene: EGLN1 (egl-9 family hypoxia inducible factor 1; minus strand). Cytogenetic location: 1q42.2.
Variant type: Deletion.
Coding change: c.373_403del on transcript NM_022051.3 (MANE Select); coding-DNA positions 373 to 403, 31 bases deleted.
Protein change: p.Ser125fs; shifts the reading frame from serine 125.
Molecular consequence: frameshift variant.
Genome position (GRCh38, 1-based): chr1:231,421,486-231,421,516, 31 bases deleted; deleting any 31 consecutive bases within chr1:231,421,486-231,421,517 gives the same sequence; the c. name uses the placement nearest the transcript's 3' end. GRCh37 (hg19): chr1:231,557,233-231,557,263.
Other names: c.373_403del, p.Ser125fs (NM_001377260.1, NM_001377261.1); short protein forms S125fs.
Identifiers: ClinVar variation 3723092 (VCV003723092.2).